The following is an entry in ClinVar:

ClinVar aggregate classification (germline): Uncertain significance (1 of 4 stars; one submission).

Conditions:
Inborn genetic diseases. Identifiers: MedGen C0950123, MeSH D030342.

Submission:

Ambry Genetics
Classification: Uncertain significance for Inborn genetic diseases. Last evaluated: 2026-02-14. Review status: criteria provided, single submitter. Criteria: Ambry Variant Classification Scheme 2023. Collection method: clinical testing. Allele origin: germline.
Comment: The p.N764S variant (also known as c.2291A>G), located in coding exon 12 of the BMPR2 gene, results from an A to G substitution at nucleotide position 2291. The asparagine at codon 764 is replaced by serine, an amino acid with highly similar properties. This amino acid position is conserved. In addition, this alteration is predicted to be tolerated by in silico analysis. Based on the available evidence, the clinical significance of this variant remains unclear.

NM_001204.7(BMPR2):c.2291A>G (p.Asn764Ser)

Gene: BMPR2 (bone morphogenetic protein receptor type 2; plus strand). Cytogenetic location: 2q33.2.
Variant type: single nucleotide variant.
Coding change: c.2291A>G on transcript NM_001204.7 (MANE Select); coding-DNA position 2291, A replaced by G.
Protein change: p.Asn764Ser; replaces asparagine 764 with serine.
Molecular consequence: missense variant.
Genome position (GRCh38, 1-based): chr2:202,555,956, A>G. VCF-style: chr2-202555956-A-G. GRCh37 (hg19) VCF-style: chr2-203420679-A-G.
Other names: short protein forms N764S.
Identifiers: ClinVar variation 4824919 (VCV004824919.1).
Genomic context (GRCh38, chr2:202,555,956, plus strand): 5'-CTCTCCCCAAGCAGCAGAACCTTCCCAAGAGACCTACTAGTTTGCCTTTGAACACCAAAA[A>G]TTCAACAAAAGAGCCCCGGCTAAAATTTGGCAGCAAGCACAAATCAAACTTGAAACAAGT-3'
Protein context (NP_001195.2, residues 754-774): RPTSLPLNTK[Asn764Ser]STKEPRLKFG